The following is an entry in ClinVar:

ClinVar aggregate classification (germline): Uncertain significance (1 of 4 stars; one submission).

Allele frequency attached by ClinVar (database versions not stated): gnomAD exomes below 0.00001; ExAC 0.00001; TOPMed 0.00002; gnomAD 0.00003; ESP Exome Variant Server 0.00008.
gnomAD v4.1: 12 of 1,613,970 alleles (0.00074%); highest among the groups gnomAD compares: African/African-American, 0.0027%; no homozygotes.

Submission:

Ambry Genetics
Classification: Uncertain significance. Last evaluated: 2023-05-02. Review status: criteria provided, single submitter. Criteria: Ambry Variant Classification Scheme 2023. Collection method: clinical testing. Allele origin: germline.
Comment: The p.L435F variant (also known as c.1303C>T), located in coding exon 7 of the PKP4 gene, results from a C to T substitution at nucleotide position 1303. The leucine at codon 435 is replaced by phenylalanine, an amino acid with highly similar properties. This amino acid position is conserved. In addition, the in silico prediction for this alteration is inconclusive. Since supporting evidence is limited at this time, the clinical significance of this alteration remains unclear.

NM_003628.6(PKP4):c.1303C>T (p.Leu435Phe)

Gene: PKP4 (plakophilin 4; plus strand). Cytogenetic location: 2q24.1.
Variant type: single nucleotide variant.
Coding change: c.1303C>T on transcript NM_003628.6 (MANE Select); coding-DNA position 1303, C replaced by T.
Protein change: p.Leu435Phe; replaces leucine 435 with phenylalanine.
Molecular consequence: missense variant.
Genome position (GRCh38, 1-based): chr2:158,631,902, C>T. VCF-style: chr2-158631902-C-T. GRCh37 (hg19) VCF-style: chr2-159488414-C-T.
Other names: c.1303C>T, p.Leu435Phe (NM_001005476.4, NM_001304969.3, NM_001304971.2 and 6 more transcripts); c.277C>T, p.Leu93Phe (NM_001304970.3); c.1297C>T, p.Leu433Phe (NM_001377222.1, NM_001377223.1, NM_001377224.1); short protein forms L435F, L93F, L433F.
Identifiers: ClinVar variation 2561556 (VCV002561556.2), dbSNP rs370805340, ClinGen allele CA1920658.